The following is an entry in ClinVar:

NM_000020.3(ACVRL1):c.*1042C>G

Gene: ACVRL1 (activin A receptor like type 1; plus strand). Cytogenetic location: 12q13.13.
Variant type: single nucleotide variant.
Coding change: c.*1042C>G on transcript NM_000020.3 (MANE Select); 1042 bases downstream of the stop codon, C replaced by G.
Molecular consequence: 3 prime UTR variant.
Genome position (GRCh38, 1-based): chr12:51,921,935, C>G. VCF-style: chr12-51921935-C-G. GRCh37 (hg19) VCF-style: chr12-52315719-C-G.
Other names: c.*1042C>G (NM_001077401.2).
Identifiers: ClinVar variation 309465 (VCV000309465.5), dbSNP rs56683171, ClinGen allele CA10633154.

ClinVar aggregate classification (germline): Benign (1 of 4 stars; one submission).

Conditions:
Telangiectasia, hereditary hemorrhagic, type 2 (HHT2). Also called: ACVRL1-Related Hereditary Hemorrhagic Telangiectasia; Telangiectasia, hereditary hemorrhagic, type II. Identifiers: Orphanet 774, MedGen C1838163, MONDO:0010880, OMIM 600376. Disease mechanism: loss of function.

Allele frequency attached by ClinVar (database versions not stated): 1000 Genomes Project 0.01677; 1000 Genomes Project 30x 0.01655.

Submission:

Illumina Laboratory Services, Illumina
Classification: Benign for Telangiectasia, hereditary hemorrhagic, type 2. Last evaluated: 2018-01-12. Review status: criteria provided, single submitter. Criteria: ICSL Variant Classification Criteria 13 December 2019. Collection method: clinical testing. Allele origin: germline.
Comment: This variant was observed in the ICSL laboratory as part of a predisposition screen in an ostensibly healthy population. It had not been previously curated by ICSL or reported in the Human Gene Mutation Database (HGMD: prior to June 1st, 2018), and was therefore a candidate for classification through an automated scoring system. Utilizing variant allele frequency, disease prevalence and penetrance estimates, and inheritance mode, an automated score was calculated to assess if this variant is too frequent to cause the disease. Based on the score and internal cut-off values, a variant classified as benign is not then subjected to further curation. The score for this variant resulted in a classification of benign for this disease.